The following is an entry in ClinVar:

ClinVar aggregate classification (germline): Uncertain significance (1 of 4 stars; one submission).

Submission:

CeGaT Center for Human Genetics Tuebingen
Classification: Uncertain significance. Last evaluated: 2025-04-01. Review status: criteria provided, single submitter. Criteria: CeGaT Center For Human Genetics Tuebingen Variant Classification Criteria Version 2. Collection method: clinical testing. Allele origin: germline. Affected: yes. Observed: 1 variant allele.
Comment: HYDIN: PM2, PM3:Supporting, BP4

NM_001270974.2(HYDIN):c.5367G>T (p.Met1789Ile)

Gene: HYDIN (HYDIN axonemal central pair apparatus protein; minus strand). Cytogenetic location: 16q22.2.
Variant type: single nucleotide variant.
Coding change: c.5367G>T on transcript NM_001270974.2 (MANE Select); coding-DNA position 5367, G replaced by T.
Protein change: p.Met1789Ile; replaces methionine 1789 with isoleucine.
Molecular consequence: missense variant.
Genome position (GRCh38, 1-based): chr16:70,973,355, C>A on the plus strand (G>T on the coding strand, the complement: HYDIN is on the minus strand). VCF-style: chr16-70973355-C-A. GRCh37 (hg19) VCF-style: chr16-71007258-C-A.
Other names: short protein forms M1789I.
Identifiers: ClinVar variation 3898515 (VCV003898515.7).
Genomic context (GRCh38, chr16:70,973,355, plus strand): 5'-AAAGAGGTCCAGAGAATCTAAATGAAGCCATATTTCTTTAAAGCTCACCTCTTCTTTTGG[C>A]ATGAATTTCACTTGCACGTTGGACTTCTCACCAGGATCCAAGACTCCAGAAATGGGCTGG-3'
Protein context (NP_001257903.1, residues 1779-1799): GEKSNVQVKF[Met1789Ile]PKEEKFYSQT